The following is an entry in ClinVar:

ClinVar aggregate classification (germline): Pathogenic (1 of 4 stars; one submission).

Conditions:
GLUT1 deficiency syndrome 1, autosomal recessive. Identifiers: MedGen C3149117.

Submission:

Labcorp Genetics (formerly Invitae), Labcorp
Classification: Pathogenic for GLUT1 deficiency syndrome 1, autosomal recessive. Last evaluated: 2023-03-26. Review status: criteria provided, single submitter. Criteria: Invitae Variant Classification Sherloc (09022015). Collection method: clinical testing. Allele origin: germline.
Comment: For these reasons, this variant has been classified as Pathogenic. Algorithms developed to predict the effect of sequence changes on RNA splicing suggest that this variant may disrupt the consensus splice site. Disruption of this splice site has been observed in individual(s) with GLUT1-deficiency syndrome and/or myoclonic astatic epilepsy (PMID: 24080273, 34568804). This variant is not present in population databases (gnomAD no frequency). This sequence change affects an acceptor splice site in intron 4 of the SLC2A1 gene. It is expected to disrupt RNA splicing. Variants that disrupt the donor or acceptor splice site typically lead to a loss of protein function (PMID: 16199547), and loss-of-function variants in SLC2A1 are known to be pathogenic (PMID: 21832227, 26193382).

Literature cited by the submitters: PubMed 24080273; PubMed 34568804; PubMed 16199547; PubMed 21832227; PubMed 26193382.

NM_006516.4(SLC2A1):c.517-2A>C

Gene: SLC2A1 (solute carrier family 2 member 1; minus strand). Cytogenetic location: 1p34.2.
Variant type: single nucleotide variant.
Coding change: c.517-2A>C on transcript NM_006516.4 (MANE Select); the canonical splice acceptor site of the intron before coding-DNA position 517, A replaced by C.
Molecular consequence: splice acceptor variant.
Genome position (GRCh38, 1-based): chr1:42,930,037, T>G on the plus strand (A>C on the coding strand, the complement: SLC2A1 is on the minus strand). VCF-style: chr1-42930037-T-G. GRCh37 (hg19) VCF-style: chr1-43395708-T-G.
Identifiers: ClinVar variation 2846727 (VCV002846727.3), dbSNP rs2524994412, ClinGen allele CA339958985.